The following is an entry in ClinVar:

NM_000722.4(CACNA2D1):c.1508G>A (p.Arg503His)

Gene: CACNA2D1 (calcium voltage-gated channel auxiliary subunit alpha2delta 1; minus strand). Cytogenetic location: 7q21.11.
Variant type: single nucleotide variant.
Coding change: c.1508G>A on transcript NM_000722.4 (MANE Select); coding-DNA position 1508, G replaced by A.
Protein change: p.Arg503His; replaces arginine 503 with histidine.
Molecular consequence: missense variant.
Genome position (GRCh38, 1-based): chr7:82,005,772, C>T on the plus strand (G>A on the coding strand, the complement: CACNA2D1 is on the minus strand). VCF-style: chr7-82005772-C-T. GRCh37 (hg19) VCF-style: chr7-81635088-C-T.
Other names: c.1508G>A, p.Arg503His (NM_001366867.1); short protein forms R503H.
Identifiers: ClinVar variation 934483 (VCV000934483.9), dbSNP rs758561622, ClinGen allele CA4318027.

ClinVar aggregate classification (germline): Conflicting classifications of pathogenicity. Review status: criteria provided, conflicting classifications (1 of 4 stars). 2 submissions from 2 submitters: Uncertain significance (1); Likely benign (1). Last evaluated 2025-07-08.

Conditions:
Cardiovascular phenotype. Identifiers: MedGen CN230736.
Brugada syndrome. Also called: Sudden Unexplained Death Syndrome; Sudden Unexplained Nocturnal Death Syndrome (SUNDS); Sudden unexpected nocturnal death syndrome; Sudden unexplained nocturnal death syndrome. Identifiers: Orphanet 130, MedGen C1142166, MONDO:0015263.

Allele frequency attached by ClinVar (database versions not stated): gnomAD 0.00001; TOPMed 0.00003; ExAC 0.00006.
gnomAD v4.1: 36 of 1,588,356 alleles (0.0023%); highest among the groups gnomAD compares: Admixed American, 0.043%; no homozygotes.

Submissions (2):

Labcorp Genetics (formerly Invitae), Labcorp
Classification: Uncertain significance for Brugada syndrome. Last evaluated: 2025-07-08. Review status: criteria provided, single submitter. Criteria: Invitae Variant Classification Sherloc (09022015). Collection method: clinical testing. Allele origin: germline.
Comment: This sequence change replaces arginine, which is basic and polar, with histidine, which is basic and polar, at codon 503 of the CACNA2D1 protein (p.Arg503His). This variant is present in population databases (rs758561622, gnomAD 0.07%), and has an allele count higher than expected for a pathogenic variant. This variant has not been reported in the literature in individuals affected with CACNA2D1-related conditions. ClinVar contains an entry for this variant (Variation ID: 934483). An algorithm developed to predict the effect of missense changes on protein structure and function (PolyPhen-2) suggests that this variant is likely to be tolerated. In summary, the available evidence is currently insufficient to determine the role of this variant in disease. Therefore, it has been classified as a Variant of Uncertain Significance.

Ambry Genetics
Classification: Likely benign for Cardiovascular phenotype. Last evaluated: 2022-08-01. Review status: criteria provided, single submitter. Criteria: Ambry Variant Classification Scheme 2023. Collection method: clinical testing. Allele origin: germline.